The following is an entry in ClinVar:

NM_000038.6(APC):c.8499C>A (p.Arg2833=)

Gene: APC (APC regulator of Wnt signaling pathway; plus strand). Cytogenetic location: 5q22.2.
Variant type: single nucleotide variant.
Coding change: c.8499C>A on transcript NM_000038.6 (MANE Select); coding-DNA position 8499, C replaced by A.
Protein change: p.Arg2833=; no amino-acid change (arginine 2833 retained).
Molecular consequence: synonymous variant. On other transcripts: non-coding transcript variant (2).
Genome position (GRCh38, 1-based): chr5:112,844,093, C>A. VCF-style: chr5-112844093-C-A. GRCh37 (hg19) VCF-style: chr5-112179790-C-A.
Other names: c.8499C>A, p.Arg2833= (NM_001127510.3, NM_001354895.2, NM_001407450.1); c.8445C>A, p.Arg2815= (NM_001127511.3); c.8553C>A, p.Arg2851= (NM_001354896.2, NM_001407447.1, NM_001407448.1 and 1 more transcripts); c.8529C>A, p.Arg2843= (NM_001354897.2); c.8424C>A, p.Arg2808= (NM_001354898.2); c.8415C>A, p.Arg2805= (NM_001354899.2); c.8376C>A, p.Arg2792= (NM_001354900.2); c.8322C>A, p.Arg2774= (NM_001354901.2, NM_001407453.1); and 11 more.
Identifiers: ClinVar variation 3254521 (VCV003254521.2), dbSNP rs757921527.

ClinVar aggregate classification (germline): Benign/Likely benign. Review status: criteria provided, multiple submitters, no conflicts (2 of 4 stars). 2 submissions from 2 submitters: Benign (1); Likely benign (1). Last evaluated 2025-03-03.

Conditions:
Hereditary cancer-predisposing syndrome. Also called: Hereditary Cancer Syndrome; Tumor predisposition; Hereditary neoplastic syndrome; Neoplastic Syndromes, Hereditary. Identifiers: Orphanet 140162, MedGen C0027672, MeSH D009386, MONDO:0015356.
Familial adenomatous polyposis 1 (FAP1). Also called: FAMILIAL ADENOMATOUS POLYPOSIS 1, ATTENUATED; POLYPOSIS, ADENOMATOUS INTESTINAL. Identifiers: MedGen C2713442, MONDO:0021056, OMIM 175100. Disease mechanism: loss of function.

Submissions (2):

Color Diagnostics, LLC DBA Color Health
Classification: Likely benign for Hereditary cancer-predisposing syndrome. Last evaluated: 2025-03-03. Review status: criteria provided, single submitter. Criteria: ACMG Guidelines, 2015. Collection method: clinical testing. Allele origin: germline.

Myriad Genetics, Inc.
Classification: Benign for Familial adenomatous polyposis 1. Last evaluated: 2024-04-16. Review status: criteria provided, single submitter. Criteria: Myriad Autosomal Dominant, Autosomal Recessive and X-Linked Classification Criteria (2023). Collection method: clinical testing. Allele origin: unknown.
Comment: This variant is considered benign. This variant is a silent/synonymous amino acid change and it is not expected to impact splicing.